The following is an entry in ClinVar:

ClinVar aggregate classification (germline): Pathogenic (1 of 4 stars; one submission).

Conditions:
Familial cancer of breast. Also called: Hereditary breast cancer; BREAST CANCER, FAMILIAL; hereditary breast carcinoma. Identifiers: Orphanet 227535, MedGen C0346153, MONDO:0016419, OMIM 114480. Disease mechanism: loss of function.

Submission:

Myriad Genetics, Inc.
Classification: Pathogenic for Familial cancer of breast. Last evaluated: 2023-09-13. Review status: criteria provided, single submitter. Criteria: Myriad Autosomal Dominant, Autosomal Recessive and X-Linked Classification Criteria (2023). Collection method: clinical testing. Allele origin: unknown.
Comment: This variant is considered pathogenic. This variant creates a frameshift predicted to result in premature protein truncation.

NM_024675.4(PALB2):c.2759dup (p.Leu920fs)

Gene: PALB2 (partner and localizer of BRCA2; minus strand). Cytogenetic location: 16p12.2.
Variant type: Duplication.
Coding change: c.2759dup on transcript NM_024675.4 (MANE Select); coding-DNA position 2759, one base duplicated (T; older notation c.2759dupT).
Protein change: p.Leu920fs; shifts the reading frame from leucine 920.
Molecular consequence: frameshift variant.
Genome position (GRCh38, 1-based): chr16:23,624,084, A duplicated on the plus strand (T on the coding strand, the reverse complement: PALB2 is on the minus strand); the first of 2 consecutive A bases (chr16:23,624,084-23,624,085); duplicating either gives the same sequence. VCF-style (leftmost placement, unchanged base first): chr16-23624083-T-TA. GRCh37 (hg19) VCF-style: chr16-23635404-T-TA.
Other names: c.2699dup, p.Leu900fs (NM_001407296.1); c.2687dup, p.Leu896fs (NM_001407297.1); c.2597dup, p.Leu866fs (NM_001407298.1, NM_001407302.1); c.2759dup, p.Leu920fs (NM_001407299.1, NM_001407300.1, NM_001407301.1); c.1874dup, p.Leu625fs (NM_001407304.1, NM_001407305.1, NM_001407306.1 and 4 more transcripts); c.1712dup, p.Leu571fs (NM_001407307.1); c.971dup, p.Leu324fs (NM_001407312.1, NM_001407313.1); c.293dup, p.Leu98fs (NM_001407314.1); short protein forms L324fs, L571fs, L625fs, L866fs, L896fs, L900fs, L920fs, L98fs.
Identifiers: ClinVar variation 2674114 (VCV002674114.1), dbSNP rs2506351687, ClinGen allele CA2695197609.